The following is an entry in ClinVar:

ClinVar aggregate classification (germline): Likely benign. Review status: criteria provided, single submitter (1 of 4 stars). 2 submissions from 2 submitters: Likely benign (1). 1 of the submissions does not count toward it.

Conditions:
CR1-related disorder. Also called: CR1-related condition.

Allele frequency attached by ClinVar (database versions not stated): gnomAD exomes 0.00005; TOPMed 0.00007; ESP Exome Variant Server 0.00008; gnomAD 0.00008; ExAC 0.00014.
gnomAD v4.1: 90 of 1,613,820 alleles (0.0056%); highest among the groups gnomAD compares: Middle Eastern, 0.049%; no homozygotes.

Submissions (2):

Breakthrough Genomics
Classification: Likely benign. Review status: criteria provided, single submitter. Criteria: ACMG Guidelines, 2015. Collection method: not provided. Allele origin: germline. Inheritance: Unknown mechanism. Affected: yes.

PreventionGenetics, part of Exact Sciences
Classification: Likely benign for CR1-related condition. Last evaluated: 2019-02-21. Review status: no assertion criteria provided. Collection method: clinical testing. Allele origin: germline. Not counted in ClinVar's aggregate classification.
Comment: This variant is classified as likely benign based on ACMG/AMP sequence variant interpretation guidelines (Richards et al. 2015 PMID: 25741868, with internal and published modifications).

NM_000651.6(CR1):c.6096C>T (p.Pro2032=)

Gene: CR1 (complement C3b/C4b receptor 1 (Knops blood group); plus strand). Cytogenetic location: 1q32.2.
Variant type: single nucleotide variant.
Coding change: c.6096C>T on transcript NM_000651.6 (MANE Select); coding-DNA position 6096, C replaced by T.
Protein change: p.Pro2032=; no amino-acid change (proline 2032 retained).
Molecular consequence: synonymous variant.
Genome position (GRCh38, 1-based): chr1:207,609,489, C>T. VCF-style: chr1-207609489-C-T. GRCh37 (hg19) VCF-style: chr1-207782834-C-T.
Other names: c.4746C>T, p.Pro1582= (NM_000573.4, NM_001381851.1).
Identifiers: ClinVar variation 3051184 (VCV003051184.3), dbSNP rs367704741, ClinGen allele CA1370350.